The following is an entry in ClinVar:

ClinVar aggregate classification (germline): Uncertain significance (1 of 4 stars; one submission).

Allele frequency attached by ClinVar (database versions not stated): gnomAD exomes below 0.00001.
gnomAD v4.1: 1 of 1,613,784 alleles (0.000062%); highest among the groups gnomAD compares: Non-Finnish European, 0.000085%; no homozygotes.

Submission:

Labcorp Genetics (formerly Invitae), Labcorp
Classification: Uncertain significance. Last evaluated: 2025-05-05. Review status: criteria provided, single submitter. Criteria: Invitae Variant Classification Sherloc (09022015). Collection method: clinical testing. Allele origin: germline.
Comment: This sequence change replaces valine, which is neutral and non-polar, with aspartic acid, which is acidic and polar, at codon 644 of the TUBGCP6 protein (p.Val644Asp). This variant is not present in population databases (gnomAD no frequency). This variant has not been reported in the literature in individuals affected with TUBGCP6-related conditions. ClinVar contains an entry for this variant (Variation ID: 1482702). An algorithm developed to predict the effect of missense changes on protein structure and function (PolyPhen-2) suggests that this variant is likely to be disruptive. In summary, the available evidence is currently insufficient to determine the role of this variant in disease. Therefore, it has been classified as a Variant of Uncertain Significance.

NM_020461.4(TUBGCP6):c.1931T>A (p.Val644Asp)

Gene: TUBGCP6 (tubulin gamma complex component 6; minus strand). Cytogenetic location: 22q13.33.
Variant type: single nucleotide variant.
Coding change: c.1931T>A on transcript NM_020461.4 (MANE Select); coding-DNA position 1931, T replaced by A.
Protein change: p.Val644Asp; replaces valine 644 with aspartic acid.
Molecular consequence: missense variant.
Genome position (GRCh38, 1-based): chr22:50,225,846, A>T on the plus strand (T>A on the coding strand, the complement: TUBGCP6 is on the minus strand). VCF-style: chr22-50225846-A-T. GRCh37 (hg19) VCF-style: chr22-50664275-A-T.
Other names: short protein forms V644D.
Identifiers: ClinVar variation 1482702 (VCV001482702.6), dbSNP rs1352821081, ClinGen allele CA412104920.